The following is an entry in ClinVar:

NM_002337.4(LRPAP1):c.329G>C (p.Arg110Thr)

Gene: LRPAP1 (LDL receptor related protein associated protein 1; minus strand). Cytogenetic location: 4p16.3.
Variant type: single nucleotide variant.
Coding change: c.329G>C on transcript NM_002337.4 (MANE Select); coding-DNA position 329, G replaced by C.
Protein change: p.Arg110Thr; replaces arginine 110 with threonine.
Molecular consequence: missense variant. On other transcripts: non-coding transcript variant (1).
Genome position (GRCh38, 1-based): chr4:3,524,927, C>G on the plus strand (G>C on the coding strand, the complement: LRPAP1 is on the minus strand). VCF-style: chr4-3524927-C-G. GRCh37 (hg19) VCF-style: chr4-3526654-C-G.
Other names: short protein forms R110T.
Identifiers: ClinVar variation 3291460 (VCV003291460.2).
Genomic context (GRCh38, chr4:3,524,927, plus strand): 5'-GAGGGATACTCGACCTGCATTAGGAAAGAAACAAACGTACCATTGAGGTTGCGTATGAGT[C>G]TCGCTTCCTTCTCCCCATCTTCGTCCAAGCCGTCAAGCTTTAGTTTCTTCCAGGCGAGTT-3'
Protein context (NP_002328.1, residues 100-120): GLDEDGEKEA[Arg110Thr]LIRNLNVILA

ClinVar aggregate classification (germline): Uncertain significance. Review status: criteria provided, multiple submitters, no conflicts (2 of 4 stars). 2 submissions from 2 submitters: Uncertain significance (2). Last evaluated 2026-02-14.

gnomAD v4.1: 53 of 1,614,234 alleles (0.0033%); highest among the groups gnomAD compares: African/African-American, 0.056%; no homozygotes.

Submissions (2):

GeneDx
Classification: Uncertain significance. Last evaluated: 2026-02-14. Review status: criteria provided, single submitter. Criteria: GeneDx Variant Classification Process June 2021. Collection method: clinical testing. Allele origin: germline.
Comment: In silico analysis suggests that this missense variant does not alter protein structure/function; Has not been previously published as pathogenic or benign to our knowledge

Ambry Genetics
Classification: Uncertain significance. Last evaluated: 2024-05-15. Review status: criteria provided, single submitter. Criteria: Ambry Variant Classification Scheme 2023. Collection method: clinical testing. Allele origin: germline.